The following is an entry in ClinVar:

NM_001354712.2(THRB):c.1144+9G>A

Gene: THRB (thyroid hormone receptor beta; minus strand). Cytogenetic location: 3p24.2.
Variant type: single nucleotide variant.
Coding change: c.1144+9G>A on transcript NM_001354712.2 (MANE Select); 9 bases into the intron after coding-DNA position 1144, G replaced by A.
Molecular consequence: intron variant.
Genome position (GRCh38, 1-based): chr3:24,127,490, C>T on the plus strand (G>A on the coding strand, the complement: THRB is on the minus strand). VCF-style: chr3-24127490-C-T. GRCh37 (hg19) VCF-style: chr3-24168981-C-T.
Other names: c.1144+9G>A (NM_001354708.2, NM_001354711.2, NM_001354710.2 and 6 more transcripts); c.1051+9G>A (NM_001354714.2, NM_001354715.2).
Identifiers: ClinVar variation 257669 (VCV000257669.12), dbSNP rs13063628, ClinGen allele CA2287120.

ClinVar aggregate classification (germline): Benign. Review status: criteria provided, multiple submitters, no conflicts (2 of 4 stars). 8 submissions from 8 submitters: Benign (6). 2 of the submissions do not count toward it. Last evaluated 2026-05-09.

Conditions:
Thyroid hormone resistance, generalized, autosomal dominant (GRTHD). Also called: HYPERTHYROXINEMIA, FAMILIAL EUTHYROID, SECONDARY TO PITUITARY AND PERIPHERAL RESISTANCE TO THYROID HORMONES. Identifiers: MedGen C2937288, MONDO:0008569, OMIM 188570.

Allele frequency attached by ClinVar (database versions not stated): 1000 Genomes Project 30x 0.06262; 1000 Genomes Project 0.06290; TOPMed 0.10125; gnomAD exomes 0.10907 and 0.13407; ExAC 0.11034; gnomAD 0.11085 and 0.11332; ESP Exome Variant Server 0.12171.
gnomAD v4.1: 212,086 of 1,613,632 alleles (13%); highest among the groups gnomAD compares: Non-Finnish European, 15%; 15,393 homozygotes.

Submissions (8):

Women's Health and Genetics/Laboratory Corporation of America, LabCorp
Classification: Benign. Last evaluated: 2026-05-09. Review status: criteria provided, single submitter. Criteria: LabCorp Variant Classification Summary - May 2015. Collection method: clinical testing. Allele origin: germline.

Blueprint Genetics
Classification: Benign. Last evaluated: 2024-11-26. Review status: criteria provided, single submitter. Criteria: ACMG Guidelines, 2015. Collection method: clinical testing. Allele origin: germline.

Illumina Laboratory Services, Illumina
Classification: Benign for Thyroid hormone resistance, generalized, autosomal dominant. Last evaluated: 2018-01-13. Review status: criteria provided, single submitter. Criteria: ICSL Variant Classification Criteria 13 December 2019. Collection method: clinical testing. Allele origin: germline.
Comment: This variant was observed in the ICSL laboratory as part of a predisposition screen in an ostensibly healthy population. It had not been previously curated by ICSL or reported in the Human Gene Mutation Database (HGMD: prior to June 1st, 2018), and was therefore a candidate for classification through an automated scoring system. Utilizing variant allele frequency, disease prevalence and penetrance estimates, and inheritance mode, an automated score was calculated to assess if this variant is too frequent to cause the disease. Based on the score and internal cut-off values, a variant classified as benign is not then subjected to further curation. The score for this variant resulted in a classification of benign for this disease.

GeneDx
Classification: Benign. Last evaluated: 2016-02-18. Review status: criteria provided, single submitter. Criteria: GeneDx Variant Classification (06012015). Collection method: clinical testing. Allele origin: germline. Affected: yes.
Comment: This variant is considered likely benign or benign based on one or more of the following criteria: it is a conservative change, it occurs at a poorly conserved position in the protein, it is predicted to be benign by multiple in silico algorithms, and/or has population frequency not consistent with disease.

Breakthrough Genomics
Classification: Benign. Review status: criteria provided, single submitter. Criteria: ACMG Guidelines, 2015. Collection method: not provided. Allele origin: germline. Inheritance: Autosomal recessive inheritance. Affected: yes.

PreventionGenetics, part of Exact Sciences
Classification: Benign. Review status: criteria provided, single submitter. Criteria: ACMG Guidelines, 2015. Collection method: clinical testing. Allele origin: germline.

Clinical Genetics, Academic Medical Center
Classification: Benign. Review status: no assertion criteria provided. Collection method: clinical testing. Allele origin: germline. Affected: yes. Study: VKGL Data-share Consensus. Not counted in ClinVar's aggregate classification.

Diagnostic Laboratory, Department of Genetics, University Medical Center Groningen
Classification: Benign. Review status: no assertion criteria provided. Collection method: clinical testing. Allele origin: germline. Affected: yes. Study: VKGL Data-share Consensus. Not counted in ClinVar's aggregate classification.